The following is an entry in ClinVar:

NM_006648.4(WNK2):c.2708T>C (p.Val903Ala)

Gene: WNK2 (WNK lysine deficient protein kinase 2; plus strand). Cytogenetic location: 9q22.31.
Variant type: single nucleotide variant.
Coding change: c.2708T>C on transcript NM_006648.4 (MANE Select); coding-DNA position 2708, T replaced by C.
Protein change: p.Val903Ala; replaces valine 903 with alanine.
Molecular consequence: missense variant.
Genome position (GRCh38, 1-based): chr9:93,259,256, T>C. VCF-style: chr9-93259256-T-C. GRCh37 (hg19) VCF-style: chr9-96021538-T-C.
Other names: c.2708T>C, p.Val903Ala (NM_001282394.3); short protein forms V903A.
Identifiers: ClinVar variation 3982191 (VCV003982191.1).

ClinVar aggregate classification (germline): Uncertain significance (1 of 4 stars; one submission).

Submission:

Ambry Genetics
Classification: Uncertain significance. Last evaluated: 2025-06-08. Review status: criteria provided, single submitter. Criteria: Ambry Variant Classification Scheme 2023. Collection method: clinical testing. Allele origin: germline.
Comment: The p.V903A variant (also known as c.2708T>C), located in coding exon 11 of the WNK2 gene, results from a T to C substitution at nucleotide position 2708. The valine at codon 903 is replaced by alanine, an amino acid with similar properties. This amino acid position is conserved. In addition, this alteration is predicted to be tolerated by in silico analysis. Based on the available evidence, the clinical significance of this variant remains unclear.